The following is an entry in ClinVar:

NM_015271.5(TRIM2):c.496C>T (p.Arg166Trp)

Gene: TRIM2 (tripartite motif containing 2; plus strand). Cytogenetic location: 4q31.3.
Variant type: single nucleotide variant.
Coding change: c.496C>T on transcript NM_015271.5 (MANE Select); coding-DNA position 496, C replaced by T.
Protein change: p.Arg166Trp; replaces arginine 166 with tryptophan.
Molecular consequence: missense variant. On other transcripts: intron variant (2).
Genome position (GRCh38, 1-based): chr4:153,293,024, C>T. VCF-style: chr4-153293024-C-T. GRCh37 (hg19) VCF-style: chr4-154214176-C-T.
Other names: c.454-2289C>T (NM_001375519.1); c.451-2289C>T (NM_001375520.1); c.415C>T, p.Arg139Trp (NM_001130067.2, NM_001351056.2, NM_001375512.1 and 5 more transcripts); c.469C>T, p.Arg157Trp (NM_001351054.2); c.466C>T, p.Arg156Trp (NM_001351055.2); c.40C>T, p.Arg14Trp (NM_001351057.2); c.589C>T, p.Arg197Trp (NM_001375488.1); c.586C>T, p.Arg196Trp (NM_001375489.1); and 4 more; short protein forms R139W, R165W, R166W, R14W, R156W, R157W, R197W, R53W.
Identifiers: ClinVar variation 2902705 (VCV002902705.4), dbSNP rs372191383, ClinGen allele CA3108561.

ClinVar aggregate classification (germline): Uncertain significance. Review status: criteria provided, multiple submitters, no conflicts (2 of 4 stars). 2 submissions from 2 submitters: Uncertain significance (2). Last evaluated 2025-06-03.

Conditions:
Charcot-Marie-Tooth disease type 2R. Also called: Charcot-Marie-Tooth disease, axonal, type 2R; CHARCOT-MARIE-TOOTH DISEASE, AXONAL, AUTOSOMAL RECESSIVE, TYPE 2R; CHARCOT-MARIE-TOOTH NEUROPATHY, TYPE 2R. Identifiers: Orphanet 397968, MedGen C3809655, MONDO:0014208, OMIM 615490.

Allele frequency attached by ClinVar (database versions not stated): gnomAD exomes 0.00001; ExAC 0.00002; gnomAD 0.00002; ESP Exome Variant Server 0.00008.

Submissions (2):

Ambry Genetics
Classification: Uncertain significance. Last evaluated: 2025-06-03. Review status: criteria provided, single submitter. Criteria: Ambry Variant Classification Scheme 2023. Collection method: clinical testing. Allele origin: germline.

Labcorp Genetics (formerly Invitae), Labcorp
Classification: Uncertain significance for Charcot-Marie-Tooth disease type 2R. Last evaluated: 2023-07-17. Review status: criteria provided, single submitter. Criteria: Invitae Variant Classification Sherloc (09022015). Collection method: clinical testing. Allele origin: germline.
Comment: This sequence change replaces arginine, which is basic and polar, with tryptophan, which is neutral and slightly polar, at codon 139 of the TRIM2 protein (p.Arg139Trp). In summary, the available evidence is currently insufficient to determine the role of this variant in disease. Therefore, it has been classified as a Variant of Uncertain Significance. An algorithm developed to predict the effect of missense changes on protein structure and function (PolyPhen-2) suggests that this variant is likely to be disruptive. This variant has not been reported in the literature in individuals affected with TRIM2-related conditions. This variant is present in population databases (rs372191383, gnomAD 0.006%).